The following is an entry in ClinVar:

NM_000238.4(KCNH2):c.3458dup (p.His1153fs)

Gene: KCNH2 (potassium voltage-gated channel subfamily H member 2; minus strand). Cytogenetic location: 7q36.1.
Variant type: Duplication.
Coding change: c.3458dup on transcript NM_000238.4 (MANE Select); coding-DNA position 3458, one base duplicated (A; older notation c.3458dupA).
Protein change: p.His1153fs; shifts the reading frame from histidine 1153.
Molecular consequence: frameshift variant.
Genome position (GRCh38, 1-based): chr7:150,945,387, T duplicated on the plus strand (A on the coding strand, the reverse complement: KCNH2 is on the minus strand). VCF-style (leftmost placement, unchanged base first): chr7-150945386-G-GT. GRCh37 (hg19) VCF-style: chr7-150642474-G-GT.
Other names: c.2438dup, p.His813fs (NM_172057.3); short protein forms H813fs, H1153fs.
Identifiers: ClinVar variation 1434518 (VCV001434518.8), dbSNP rs2116917246, ClinGen allele CA2573141842.
Genomic context (GRCh38, chr7:150,945,386, plus strand): 5'-ATCCCTGGGTGAGCCACGTGTCCACACTGGGCAGCCCCACTAACTGCCCGGGTCCGAGCC[G>GT]TGTCTGTGCAGGGGCTGGGAGGTGAGGGCCCCCAGCTGGCCCGGTAGGGAGAGGCGTCGT-3'

ClinVar aggregate classification (germline): Pathogenic (1 of 4 stars; one submission).

Conditions:
Long QT syndrome (LQTS). Identifiers: MedGen C0023976, MeSH D008133, MONDO:0002442. Disease mechanism: loss of function. Inheritance: Various modes of inheritance.

Submission:

Labcorp Genetics (formerly Invitae), Labcorp
Classification: Pathogenic for Long QT syndrome. Last evaluated: 2021-03-29. Review status: criteria provided, single submitter. Criteria: Invitae Variant Classification Sherloc (09022015). Collection method: clinical testing. Allele origin: germline.
Comment: This sequence change results in a frameshift in the KCNH2 gene (p.His1153Glnfs*117). While this is not anticipated to result in nonsense mediated decay, it is expected to disrupt the last 7 amino acid(s) of the KCNH2 protein and extend the protein by 109 additional amino acid residues. This variant is not present in population databases (ExAC no frequency). This variant has been observed in individual(s) with clinical features of long QT syndrome (Invitae). In at least one individual the variant was observed to be de novo. Experimental studies and prediction algorithms are not available or were not evaluated, and the functional significance of this variant is currently unknown. For these reasons, this variant has been classified as Pathogenic.